The following is an entry in ClinVar:

ClinVar aggregate classification (germline): Likely benign. Review status: criteria provided, multiple submitters, no conflicts (2 of 4 stars). 3 submissions from 3 submitters: Likely benign (3). Last evaluated 2024-05-15.

Allele frequency attached by ClinVar (database versions not stated): TOPMed 0.00009; 1000 Genomes Project 0.00020; 1000 Genomes Project 30x 0.00031; gnomAD exomes 0.00005; ExAC 0.00006; gnomAD 0.00009.
gnomAD v4.1: 51 of 1,470,638 alleles (0.0035%); highest among the groups gnomAD compares: African/African-American, 0.028%; no homozygotes.

Submissions (3):

Blueprint Genetics
Classification: Likely benign. Last evaluated: 2024-05-15. Review status: criteria provided, single submitter. Criteria: ACMG Guidelines, 2015. Collection method: clinical testing. Allele origin: germline.

Labcorp Genetics (formerly Invitae), Labcorp
Classification: Likely benign. Last evaluated: 2023-08-27. Review status: criteria provided, single submitter. Criteria: Invitae Variant Classification Sherloc (09022015). Collection method: clinical testing. Allele origin: germline.

GeneDx
Classification: Likely benign. Last evaluated: 2017-12-14. Review status: criteria provided, single submitter. Criteria: GeneDx Variant Classification (06012015). Collection method: clinical testing. Allele origin: germline. Affected: yes.
Comment: This variant is considered likely benign or benign based on one or more of the following criteria: it is a conservative change, it occurs at a poorly conserved position in the protein, it is predicted to be benign by multiple in silico algorithms, and/or has population frequency not consistent with disease.

NM_001378609.3(OTOGL):c.3714C>T (p.Ser1238=)

Gene: OTOGL (otogelin like; plus strand). Cytogenetic location: 12q21.31.
Variant type: single nucleotide variant.
Coding change: c.3714C>T on transcript NM_001378609.3 (MANE Select); coding-DNA position 3714, C replaced by T.
Protein change: p.Ser1238=; no amino-acid change (serine 1238 retained).
Molecular consequence: synonymous variant.
Genome position (GRCh38, 1-based): chr12:80,318,625, C>T. VCF-style: chr12-80318625-C-T. GRCh37 (hg19) VCF-style: chr12-80712405-C-T.
Other names: c.3579C>T, p.Ser1193= (NM_001368062.3); c.3714C>T, p.Ser1238= (NM_001378610.3, NM_173591.7).
Identifiers: ClinVar variation 514166 (VCV000514166.7), dbSNP rs564278017, ClinGen allele CA6701160.